The following is an entry in ClinVar:

ClinVar aggregate classification (germline): Uncertain significance (1 of 4 stars; one submission).

Conditions:
Familial adenomatous polyposis 1 (FAP1). Also called: FAMILIAL ADENOMATOUS POLYPOSIS 1, ATTENUATED; POLYPOSIS, ADENOMATOUS INTESTINAL. Identifiers: MedGen C2713442, MONDO:0021056, OMIM 175100. Disease mechanism: loss of function.

Submission:

Labcorp Genetics (formerly Invitae), Labcorp
Classification: Uncertain significance for Familial adenomatous polyposis 1. Last evaluated: 2022-03-14. Review status: criteria provided, single submitter. Criteria: Invitae Variant Classification Sherloc (09022015). Collection method: clinical testing. Allele origin: germline.
Comment: This variant occurs in a non-coding region of the APC gene. It does not change the encoded amino acid sequence of the APC protein. This variant is not present in population databases (gnomAD no frequency). This variant has not been reported in the literature in individuals affected with APC-related conditions. Experimental studies and prediction algorithms are not available or were not evaluated, and the functional significance of this variant is currently unknown. In summary, the available evidence is currently insufficient to determine the role of this variant in disease. Therefore, it has been classified as a Variant of Uncertain Significance.

NM_001127511.3(APC):c.-25G>T

Gene: APC (APC regulator of Wnt signaling pathway; plus strand). Cytogenetic location: 5q22.2.
Variant type: single nucleotide variant.
Coding change: c.-25G>T on transcript NM_001127511.3; 25 bases upstream of the start codon, G replaced by T.
Molecular consequence: 5 prime UTR variant. On other transcripts: non-coding transcript variant (1), intron variant (5).
Genome position (GRCh38, 1-based): chr5:112,707,693, G>T. VCF-style: chr5-112707693-G-T. GRCh37 (hg19) VCF-style: chr5-112043390-G-T.
Other names: c.-208G>T (NM_001354895.2, NM_001407447.1, NM_001407452.1 and 3 more transcripts); c.-25G>T (NM_001354897.2, NM_001354902.2, NM_001407446.1); c.-1243G>T (NM_001407470.1, NM_001407472.1); c.-19+44G>T (NM_001407448.1, NM_001407450.1, NM_001407457.1 and 1 more transcripts); c.-43+44G>T (NM_001407453.1).
Identifiers: ClinVar variation 2161390 (VCV002161390.3), dbSNP rs2149630270, ClinGen allele CA2580072321.